The following is an entry in ClinVar:

NM_014000.3(VCL):c.2146G>A (p.Ala716Thr)

Gene: VCL (vinculin; plus strand). Cytogenetic location: 10q22.2.
Variant type: single nucleotide variant.
Coding change: c.2146G>A on transcript NM_014000.3 (MANE Select); coding-DNA position 2146, G replaced by A.
Protein change: p.Ala716Thr; replaces alanine 716 with threonine.
Molecular consequence: missense variant.
Genome position (GRCh38, 1-based): chr10:74,105,065, G>A. VCF-style: chr10-74105065-G-A. GRCh37 (hg19) VCF-style: chr10-75864823-G-A.
Other names: c.2146G>A, p.Ala716Thr (NM_003373.4); short protein forms A716T.
Identifiers: ClinVar variation 3700898 (VCV003700898.3).
Genomic context (GRCh38, chr10:74,105,065, plus strand): 5'-TGTTCTTCTAAATTGAAACTAAATTCCATTTCTGTTTTCCTAACAGGGCTGGTGGACGAA[G>A]CCATTGATACCAAATCTCTGTTGGATGCTTCAGAAGAAGCAATTAAAAAAGACCTGGACA-3'
Protein context (NP_054706.1, residues 706-726): VEKMTGLVDE[Ala716Thr]IDTKSLLDAS

ClinVar aggregate classification (germline): Uncertain significance. Review status: criteria provided, multiple submitters, no conflicts (2 of 4 stars). 2 submissions from 2 submitters: Uncertain significance (2). Last evaluated 2025-04-30.

Conditions:
Cardiovascular phenotype. Identifiers: MedGen CN230736.
Dilated cardiomyopathy 1W (CMD1W). Identifiers: Orphanet 154, MedGen C1969639, MONDO:0012667, OMIM 611407.

gnomAD v4.1: 1 of 1,614,164 alleles (0.000062%); highest among the groups gnomAD compares: Non-Finnish European, 0.000085%; no homozygotes.

Submissions (2):

Ambry Genetics
Classification: Uncertain significance for Cardiovascular phenotype. Last evaluated: 2025-04-30. Review status: criteria provided, single submitter. Criteria: Ambry Variant Classification Scheme 2023. Collection method: clinical testing. Allele origin: germline.
Comment: The p.A716T variant (also known as c.2146G>A), located in coding exon 16 of the VCL gene, results from a G to A substitution at nucleotide position 2146. The alanine at codon 716 is replaced by threonine, an amino acid with similar properties. This amino acid position is conserved. In addition, the in silico prediction for this alteration is inconclusive. Based on the available evidence, the clinical significance of this variant remains unclear.

Labcorp Genetics (formerly Invitae), Labcorp
Classification: Uncertain significance for Dilated cardiomyopathy 1W. Last evaluated: 2024-07-01. Review status: criteria provided, single submitter. Criteria: Invitae Variant Classification Sherloc (09022015). Collection method: clinical testing. Allele origin: germline.
Comment: This sequence change replaces alanine, which is neutral and non-polar, with threonine, which is neutral and polar, at codon 716 of the VCL protein (p.Ala716Thr). This variant is not present in population databases (gnomAD no frequency). This variant has not been reported in the literature in individuals affected with VCL-related conditions. An algorithm developed to predict the effect of missense changes on protein structure and function (PolyPhen-2) suggests that this variant is likely to be disruptive. In summary, the available evidence is currently insufficient to determine the role of this variant in disease. Therefore, it has been classified as a Variant of Uncertain Significance.